The following is an entry in ClinVar:

ClinVar aggregate classification (germline): Uncertain significance. Review status: criteria provided, multiple submitters, no conflicts (2 of 4 stars). 3 submissions from 3 submitters: Uncertain significance (3). Last evaluated 2024-12-18.

Conditions:
Inborn genetic diseases. Identifiers: MedGen C0950123, MeSH D030342.
Leber congenital amaurosis 3 (LCA3). Also called: SPATA7-Related Retinitis Pigmentosa. Identifiers: MedGen C1858677, MONDO:0011415, OMIM 604232.

Allele frequency attached by ClinVar (database versions not stated): gnomAD exomes below 0.00001 and 0.00001; TOPMed below 0.00001; ExAC 0.00001; gnomAD 0.00001.
gnomAD v4.1: 15 of 1,613,532 alleles (0.00093%); highest among the groups gnomAD compares: Non-Finnish European, 0.0013%; no homozygotes.

Submissions (3):

Ambry Genetics
Classification: Uncertain significance for Inborn genetic diseases. Last evaluated: 2024-12-18. Review status: criteria provided, single submitter. Criteria: Ambry Variant Classification Scheme 2023. Collection method: clinical testing. Allele origin: germline.

Labcorp Genetics (formerly Invitae), Labcorp
Classification: Uncertain significance for Leber congenital amaurosis 3. Last evaluated: 2022-06-27. Review status: criteria provided, single submitter. Criteria: Invitae Variant Classification Sherloc (09022015). Collection method: clinical testing. Allele origin: germline.
Comment: In summary, the available evidence is currently insufficient to determine the role of this variant in disease. Therefore, it has been classified as a Variant of Uncertain Significance. Algorithms developed to predict the effect of missense changes on protein structure and function output the following: SIFT: "Tolerated"; PolyPhen-2: "Benign"; Align-GVGD: "Class C0". The isoleucine amino acid residue is found in multiple mammalian species, which suggests that this missense change does not adversely affect protein function. This variant has not been reported in the literature in individuals affected with SPATA7-related conditions. ClinVar contains an entry for this variant (Variation ID: 1307323). This sequence change replaces methionine, which is neutral and non-polar, with isoleucine, which is neutral and non-polar, at codon 345 of the SPATA7 protein (p.Met345Ile). This variant is present in population databases (rs764902056, gnomAD 0.002%).

GeneDx
Classification: Uncertain significance. Last evaluated: 2019-08-08. Review status: criteria provided, single submitter. Criteria: GeneDx Variant Classification Process June 2021. Collection method: clinical testing. Allele origin: germline. Affected: yes.
Comment: Not observed at a significant frequency in large population cohorts (Lek et al., 2016); In silico analysis, which includes protein predictors and evolutionary conservation, supports that this variant does not alter protein structure/function; Has not been previously published as pathogenic or benign to our knowledge

NM_018418.5(SPATA7):c.1035G>A (p.Met345Ile)

Gene: SPATA7 (spermatogenesis associated 7; plus strand). Cytogenetic location: 14q31.3.
Variant type: single nucleotide variant.
Coding change: c.1035G>A on transcript NM_018418.5 (MANE Select); coding-DNA position 1035, G replaced by A.
Protein change: p.Met345Ile; replaces methionine 345 with isoleucine.
Molecular consequence: missense variant.
Genome position (GRCh38, 1-based): chr14:88,431,178, G>A. VCF-style: chr14-88431178-G-A. GRCh37 (hg19) VCF-style: chr14-88897522-G-A.
Other names: c.939G>A, p.Met313Ile (NM_001040428.4); short protein forms M313I, M345I.
Identifiers: ClinVar variation 1307323 (VCV001307323.7), dbSNP rs764902056, ClinGen allele CA7298697.